The following is an entry in ClinVar:

NM_004568.6(SERPINB6):c.121G>A (p.Val41Ile)

Gene: SERPINB6 (serpin family B member 6; minus strand). Cytogenetic location: 6p25.2.
Variant type: single nucleotide variant.
Coding change: c.121G>A on transcript NM_004568.6 (MANE Select); coding-DNA position 121, G replaced by A.
Protein change: p.Val41Ile; replaces valine 41 with isoleucine.
Molecular consequence: missense variant. On other transcripts: non-coding transcript variant (1), intron variant (1).
Genome position (GRCh38, 1-based): chr6:2,959,212, C>T on the plus strand (G>A on the coding strand, the complement: SERPINB6 is on the minus strand). VCF-style: chr6-2959212-C-T. GRCh37 (hg19) VCF-style: chr6-2959446-C-T.
Other names: c.133G>A, p.Val45Ile (NM_001195291.3, NM_001374515.1); c.163G>A, p.Val55Ile (NM_001271822.2); c.178G>A, p.Val60Ile (NM_001271823.2); c.121G>A, p.Val41Ile (NM_001271824.2, NM_001271825.2, NM_001297699.2 and 2 more transcripts); c.34-3542G>A (NM_001374517.1); short protein forms V45I, V41I, V55I, V60I.
Identifiers: ClinVar variation 165196 (VCV000165196.20), dbSNP rs140220538, ClinGen allele CA177919.

ClinVar aggregate classification (germline): Conflicting classifications of pathogenicity. Review status: criteria provided, conflicting classifications (1 of 4 stars). 7 submissions from 7 submitters: Uncertain significance (3); Likely benign (3). 1 of the submissions does not count toward it. Last evaluated 2025-09-25.

Conditions:
SERPINB6-related disorder. Also called: SERPINB6-related condition.
Autosomal recessive nonsyndromic hearing loss 91. Identifiers: Orphanet 90636, MedGen C3150704, MONDO:0013269, OMIM 613453.

Allele frequency attached by ClinVar (database versions not stated): 1000 Genomes Project 30x 0.00016; 1000 Genomes Project 0.00020; ESP Exome Variant Server 0.00031; gnomAD exomes 0.00036 and 0.00047; ExAC 0.00040; gnomAD 0.00056 and 0.00057; TOPMed 0.00065.

Submissions (7):

Labcorp Genetics (formerly Invitae), Labcorp
Classification: Likely benign. Last evaluated: 2025-09-25. Review status: criteria provided, single submitter. Criteria: Invitae Variant Classification Sherloc (09022015). Collection method: clinical testing. Allele origin: germline.

Blueprint Genetics
Classification: Uncertain significance. Last evaluated: 2024-11-06. Review status: criteria provided, single submitter. Criteria: ACMG Guidelines, 2015. Collection method: clinical testing. Allele origin: germline.

GeneDx
Classification: Likely benign. Last evaluated: 2020-12-16. Review status: criteria provided, single submitter. Criteria: GeneDx Variant Classification Process June 2021. Collection method: clinical testing. Allele origin: germline. Affected: yes.

Athena Diagnostics
Classification: Uncertain significance. Last evaluated: 2019-08-02. Review status: criteria provided, single submitter. Criteria: Athena Diagnostics Criteria. Collection method: clinical testing. Allele origin: germline.

Laboratory for Molecular Medicine, Mass General Brigham Personalized Medicine
Classification: Likely benign. Last evaluated: 2018-04-11. Review status: criteria provided, single submitter. Criteria: LMM Criteria. Collection method: clinical testing. Allele origin: germline. Observed: 2 variant alleles.
Comment: p.Val41Ile in exon 2C of SERPINB6: This variant is classified as likely benign b ecause it has been identified in 0.3% (29/10152) of Ashkenazi Jewish chromosomes by the Genome Aggregation Database (gnomAD; d bSNP rs140220538). ACMG/AMP Criteria applied: BS1

Baylor Genetics
Classification: Uncertain significance for Autosomal recessive nonsyndromic hearing loss 91. Last evaluated: 2018-02-08. Review status: criteria provided, single submitter. Criteria: ACMG Guidelines, 2015. Collection method: clinical testing. Allele origin: maternal. Affected: yes.
Comment: This variant was determined to be of uncertain significance according to ACMG Guidelines, 2015 [PMID:25741868].

PreventionGenetics, part of Exact Sciences
Classification: Likely benign for SERPINB6-related condition. Last evaluated: 2024-09-06. Review status: no assertion criteria provided. Collection method: clinical testing. Allele origin: germline. Not counted in ClinVar's aggregate classification.
Comment: This variant is classified as likely benign based on ACMG/AMP sequence variant interpretation guidelines (Richards et al. 2015 PMID: 25741868, with internal and published modifications).

Literature cited by the submitters: PubMed 20451170 (cited by Laboratory for Molecular Medicine, Mass General Brigham Personalized Medicine).